The following is an entry in ClinVar:

ClinVar aggregate classification (germline): Uncertain significance (1 of 4 stars; one submission).

gnomAD v4.1: 1 of 1,614,056 alleles (0.000062%); highest among the groups gnomAD compares: Non-Finnish European, 0.000085%; no homozygotes.

Submission:

Labcorp Genetics (formerly Invitae), Labcorp
Classification: Uncertain significance. Last evaluated: 2025-02-02. Review status: criteria provided, single submitter. Criteria: Invitae Variant Classification Sherloc (09022015). Collection method: clinical testing. Allele origin: germline.
Comment: This sequence change replaces proline, which is neutral and non-polar, with arginine, which is basic and polar, at codon 1106 of the CYFIP2 protein (p.Pro1106Arg). This variant is present in population databases (no rsID available, gnomAD 0.0009%). This variant has not been reported in the literature in individuals affected with CYFIP2-related conditions. Experimental studies and prediction algorithms are not available or were not evaluated, and the functional significance of this variant is currently unknown. In summary, the available evidence is currently insufficient to determine the role of this variant in disease. Therefore, it has been classified as a Variant of Uncertain Significance.

NM_001037333.3(CYFIP2):c.3317C>G (p.Pro1106Arg)

Genes: CYFIP2 (cytoplasmic FMR1 interacting protein 2; plus strand), NIPAL4-DT (NIPAL4 divergent transcript; minus strand). Cytogenetic location: 5q33.3.
Variant type: single nucleotide variant.
Coding change: c.3317C>G on transcript NM_001037333.3 (MANE Select); coding-DNA position 3317, C replaced by G.
Protein change: p.Pro1106Arg; replaces proline 1106 with arginine.
Molecular consequence: missense variant.
Genome position (GRCh38, 1-based): chr5:157,389,298, C>G. VCF-style: chr5-157389298-C-G. GRCh37 (hg19) VCF-style: chr5-156816306-C-G.
Other names: c.3239C>G, p.Pro1080Arg (NM_001291721.2); c.3392C>G, p.Pro1131Arg (NM_001291722.2); c.3317C>G, p.Pro1106Arg (NM_014376.4); short protein forms P1080R, P1106R, P1131R.
Identifiers: ClinVar variation 4712151 (VCV004712151.1).